The following is an entry in ClinVar:

ClinVar aggregate classification (germline): Benign/Likely benign. Review status: criteria provided, multiple submitters, no conflicts (2 of 4 stars). 2 submissions from 2 submitters: Benign (1); Likely benign (1). Last evaluated 2024-07-08.

Conditions:
Oligodontia-cancer predisposition syndrome. Also called: TOOTH AGENESIS-COLORECTAL CANCER SYNDROME. Identifiers: Orphanet 300576, MedGen C1837750, MONDO:0012075, OMIM 608615. Disease mechanism: loss of function.
Hereditary cancer-predisposing syndrome. Also called: Tumor predisposition; Hereditary neoplastic syndrome; Hereditary Cancer Syndrome; Neoplastic Syndromes, Hereditary. Identifiers: Orphanet 140162, MedGen C0027672, MeSH D009386, MONDO:0015356.

Submissions (2):

Myriad Genetics, Inc.
Classification: Benign for Oligodontia-cancer predisposition syndrome. Last evaluated: 2024-07-08. Review status: criteria provided, single submitter. Criteria: Myriad Autosomal Dominant, Autosomal Recessive and X-Linked Classification Criteria (2023). Collection method: clinical testing. Allele origin: unknown.
Comment: This variant is considered benign. This variant is a silent/synonymous amino acid change and it is not expected to impact splicing.

Ambry Genetics
Classification: Likely benign for Hereditary cancer-predisposing syndrome. Last evaluated: 2024-02-16. Review status: criteria provided, single submitter. Criteria: Ambry Variant Classification Scheme 2023. Collection method: clinical testing. Allele origin: germline.

NM_004655.4(AXIN2):c.1783A>C (p.Arg595=)

Gene: AXIN2 (axin 2; minus strand). Cytogenetic location: 17q24.1.
Variant type: single nucleotide variant.
Coding change: c.1783A>C on transcript NM_004655.4 (MANE Select); coding-DNA position 1783, A replaced by C.
Protein change: p.Arg595=; no amino-acid change (arginine 595 retained).
Molecular consequence: synonymous variant. On other transcripts: intron variant (1).
Genome position (GRCh38, 1-based): chr17:65,536,993, T>G on the plus strand (A>C on the coding strand, the complement: AXIN2 is on the minus strand). VCF-style: chr17-65536993-T-G. GRCh37 (hg19) VCF-style: chr17-63533111-T-G.
Other names: c.1712+331A>C (NM_001363813.1).
Identifiers: ClinVar variation 3224374 (VCV003224374.2), dbSNP rs1555577433, ClinGen allele CA501691119.